The following is an entry in ClinVar:

NM_001429.4(EP300):c.6419T>G (p.Val2140Gly)

Gene: EP300 (EP300 lysine acetyltransferase; plus strand). Cytogenetic location: 22q13.2.
Variant type: single nucleotide variant.
Coding change: c.6419T>G on transcript NM_001429.4 (MANE Select); coding-DNA position 6419, T replaced by G.
Protein change: p.Val2140Gly; replaces valine 2140 with glycine.
Molecular consequence: missense variant.
Genome position (GRCh38, 1-based): chr22:41,178,130, T>G. VCF-style: chr22-41178130-T-G. GRCh37 (hg19) VCF-style: chr22-41574134-T-G.
Other names: c.6341T>G, p.Val2114Gly (NM_001362843.2); short protein forms V2114G, V2140G.
Identifiers: ClinVar variation 4527776 (VCV004527776.1).

ClinVar aggregate classification (germline): Uncertain significance (1 of 4 stars; one submission).

Submission:

GeneDx
Classification: Uncertain significance. Last evaluated: 2025-04-29. Review status: criteria provided, single submitter. Criteria: GeneDx Variant Classification Process June 2021. Collection method: clinical testing. Allele origin: germline. Affected: yes.
Comment: Not observed at significant frequency in large population cohorts (gnomAD); In silico analysis supports that this missense variant has a deleterious effect on protein structure/function; Has not been previously published as pathogenic or benign to our knowledge